The following is an entry in ClinVar:

NM_000038.6(APC):c.5431T>C (p.Ser1811Pro)

Gene: APC (APC regulator of Wnt signaling pathway; plus strand). Cytogenetic location: 5q22.2.
Variant type: single nucleotide variant.
Coding change: c.5431T>C on transcript NM_000038.6 (MANE Select); coding-DNA position 5431, T replaced by C.
Protein change: p.Ser1811Pro; replaces serine 1811 with proline.
Molecular consequence: missense variant.
Genome position (GRCh38, 1-based): chr5:112,841,025, T>C. VCF-style: chr5-112841025-T-C. GRCh37 (hg19) VCF-style: chr5-112176722-T-C.
Other names: c.5431T>C, p.Ser1811Pro (NM_001127510.3, NM_001354895.2); c.5377T>C, p.Ser1793Pro (NM_001127511.3); c.5485T>C, p.Ser1829Pro (NM_001354896.2); c.5461T>C, p.Ser1821Pro (NM_001354897.2); c.5356T>C, p.Ser1786Pro (NM_001354898.2); c.5347T>C, p.Ser1783Pro (NM_001354899.2); c.5308T>C, p.Ser1770Pro (NM_001354900.2); c.5254T>C, p.Ser1752Pro (NM_001354901.2); and 5 more; short protein forms S1793P, S1811P, S1528P, S1685P, S1720P, S1786P, S1829P, S1651P.
Identifiers: ClinVar variation 438882 (VCV000438882.14), dbSNP rs777788406, ClinGen allele CA041987.

ClinVar aggregate classification (germline): Uncertain significance. Review status: criteria provided, multiple submitters, no conflicts (2 of 4 stars). 3 submissions from 3 submitters: Uncertain significance (3). Last evaluated 2025-04-07.

Conditions:
Hereditary cancer-predisposing syndrome. Also called: Hereditary neoplastic syndrome; Hereditary Cancer Syndrome; Tumor predisposition; Neoplastic Syndromes, Hereditary. Identifiers: Orphanet 140162, MedGen C0027672, MeSH D009386, MONDO:0015356.
Familial adenomatous polyposis 1 (FAP1). Also called: POLYPOSIS, ADENOMATOUS INTESTINAL; FAMILIAL ADENOMATOUS POLYPOSIS 1, ATTENUATED. Identifiers: MedGen C2713442, MONDO:0021056, OMIM 175100. Disease mechanism: loss of function.

Allele frequency attached by ClinVar (database versions not stated): TOPMed below 0.00001; ExAC 0.00001.

Submissions (3):

Labcorp Genetics (formerly Invitae), Labcorp
Classification: Uncertain significance for Familial adenomatous polyposis 1. Last evaluated: 2025-04-07. Review status: criteria provided, single submitter. Criteria: Invitae Variant Classification Sherloc (09022015). Collection method: clinical testing. Allele origin: germline.
Comment: This sequence change replaces serine, which is neutral and polar, with proline, which is neutral and non-polar, at codon 1811 of the APC protein (p.Ser1811Pro). This variant is present in population databases (rs777788406, gnomAD 0.007%). This variant has not been reported in the literature in individuals affected with APC-related conditions. ClinVar contains an entry for this variant (Variation ID: 438882). Invitae Evidence Modeling of protein sequence and biophysical properties (such as structural, functional, and spatial information, amino acid conservation, physicochemical variation, residue mobility, and thermodynamic stability) indicates that this missense variant is not expected to disrupt APC protein function with a negative predictive value of 95%. In summary, the available evidence is currently insufficient to determine the role of this variant in disease. Therefore, it has been classified as a Variant of Uncertain Significance.

Ambry Genetics
Classification: Uncertain significance for Hereditary cancer-predisposing syndrome. Last evaluated: 2024-12-01. Review status: criteria provided, single submitter. Criteria: Ambry Variant Classification Scheme 2023. Collection method: clinical testing. Allele origin: germline.
Comment: The p.S1811P variant (also known as c.5431T>C), located in coding exon 15 of the APC gene, results from a T to C substitution at nucleotide position 5431. The serine at codon 1811 is replaced by proline, an amino acid with similar properties. This amino acid position is conserved. In addition, in silico predictors for this gene do not accurately predict pathogenicity. Based on the available evidence, the clinical significance of this variant remains unclear.

Quest Diagnostics Nichols Institute San Juan Capistrano
Classification: Uncertain significance. Last evaluated: 2017-04-28. Review status: criteria provided, single submitter. Criteria: Quest Diagnostics criteria. Collection method: clinical testing. Allele origin: germline.